The following is an entry in ClinVar:

NM_004006.3(DMD):c.5760GAA[2] (p.Lys1923del)

Gene: DMD (dystrophin; minus strand). Cytogenetic location: Xp21.1.
Variant type: Microsatellite.
Coding change: c.5760GAA[2] on transcript NM_004006.3 (MANE Select); two copies in a row of the 3-base unit GAA starting at c.5760; the reference has three copies in a row; one copy, 3 bases deleted.
Protein change: p.Lys1923del; deletes lysine 1923.
Molecular consequence: inframe deletion.
Genome position (GRCh38, 1-based): chrX:32,342,254-32,342,256, TTC deleted on the plus strand (GAA on the coding strand, the reverse complement: DMD is on the minus strand); deleting any 3 consecutive bases within chrX:32,342,254-32,342,263 gives the same sequence; the position shown is the placement nearest the transcript's 3' end. VCF-style (leftmost placement, unchanged base first): chrX-32342253-TTTC-T. GRCh37 (hg19) VCF-style: chrX-32360370-TTTC-T.
Other names: c.5736GAA[2], p.Lys1915del (NM_000109.4); c.5748GAA[2], p.Lys1919del (NM_004009.3); c.5391GAA[2], p.Lys1800del (NM_004010.3); c.1737GAA[2], p.Lys582del (NM_004011.4); c.1728GAA[2], p.Lys579del (NM_004012.4); short protein forms K1800del, K1915del, K1919del, K1923del, K579del, K582del.
Identifiers: ClinVar variation 2414073 (VCV002414073.2), dbSNP rs2097747579, ClinGen allele CA2422760410.

ClinVar aggregate classification (germline): Uncertain significance (1 of 4 stars; one submission).

Conditions:
Duchenne muscular dystrophy (DMD). Also called: Duchenne Muscular Dystrophy (DMD); MUSCULAR DYSTROPHY, PSEUDOHYPERTROPHIC PROGRESSIVE, DUCHENNE TYPE. Identifiers: Orphanet 98896, MedGen C0013264, MONDO:0010679, OMIM 310200.

Submission:

Labcorp Genetics (formerly Invitae), Labcorp
Classification: Uncertain significance for Duchenne muscular dystrophy. Last evaluated: 2022-07-19. Review status: criteria provided, single submitter. Criteria: Invitae Variant Classification Sherloc (09022015). Collection method: clinical testing. Allele origin: germline.
Comment: This variant, c.5766_5768del, results in the deletion of 1 amino acid(s) of the DMD protein (p.Lys1923del), but otherwise preserves the integrity of the reading frame. This variant is not present in population databases (gnomAD no frequency). This variant has not been reported in the literature in individuals affected with DMD-related conditions. Experimental studies and prediction algorithms are not available or were not evaluated, and the functional significance of this variant is currently unknown. In summary, the available evidence is currently insufficient to determine the role of this variant in disease. Therefore, it has been classified as a Variant of Uncertain Significance.